The following is an entry in ClinVar:

NM_001151.4(SLC25A4):c.349C>T (p.Leu117=)

Gene: SLC25A4 (solute carrier family 25 member 4; plus strand). Cytogenetic location: 4q35.1.
Variant type: single nucleotide variant.
Coding change: c.349C>T on transcript NM_001151.4 (MANE Select); coding-DNA position 349, C replaced by T.
Protein change: p.Leu117=; no amino-acid change (leucine 117 retained).
Molecular consequence: synonymous variant.
Genome position (GRCh38, 1-based): chr4:185,145,001, C>T. VCF-style: chr4-185145001-C-T. GRCh37 (hg19) VCF-style: chr4-186066155-C-T.
Identifiers: ClinVar variation 735270 (VCV000735270.10), dbSNP rs143457362, ClinGen allele CA3156454.

ClinVar aggregate classification (germline): Likely benign. Review status: criteria provided, single submitter (1 of 4 stars). 2 submissions from 2 submitters: Likely benign (1). 1 of the submissions does not count toward it. Last evaluated 2025-08-14.

Conditions:
SLC25A4-related disorder. Also called: SLC25A4-related condition.

Allele frequency attached by ClinVar (database versions not stated): gnomAD exomes 0.00001 and 0.00004; ExAC 0.00005; TOPMed 0.00008; gnomAD 0.00009 and 0.00011; ESP Exome Variant Server 0.00015.

Submissions (2):

Labcorp Genetics (formerly Invitae), Labcorp
Classification: Likely benign. Last evaluated: 2025-08-14. Review status: criteria provided, single submitter. Criteria: Invitae Variant Classification Sherloc (09022015). Collection method: clinical testing. Allele origin: germline.

PreventionGenetics, part of Exact Sciences
Classification: Likely benign for SLC25A4-related condition. Last evaluated: 2022-12-01. Review status: no assertion criteria provided. Collection method: clinical testing. Allele origin: germline. Not counted in ClinVar's aggregate classification.
Comment: This variant is classified as likely benign based on ACMG/AMP sequence variant interpretation guidelines (Richards et al. 2015 PMID: 25741868, with internal and published modifications).